The following is an entry in ClinVar:

ClinVar aggregate classification (germline): Likely benign (0 of 4 stars; one submission).

Conditions:
PLXNA1-related disorder. Also called: PLXNA1-related condition.

Allele frequency attached by ClinVar (database versions not stated): 1000 Genomes Project 30x 0.00109; 1000 Genomes Project 0.00140.

Submission:

PreventionGenetics, part of Exact Sciences
Classification: Likely benign for PLXNA1-related condition. Last evaluated: 2022-04-13. Review status: no assertion criteria provided. Collection method: clinical testing. Allele origin: germline.
Comment: This variant is classified as likely benign based on ACMG/AMP sequence variant interpretation guidelines (Richards et al. 2015 PMID: 25741868, with internal and published modifications).

NM_032242.4(PLXNA1):c.3510C>G (p.Ile1170Met)

Gene: PLXNA1 (plexin A1; plus strand). Cytogenetic location: 3q21.3.
Variant type: single nucleotide variant.
Coding change: c.3510C>G on transcript NM_032242.4 (MANE Select); coding-DNA position 3510, C replaced by G.
Protein change: p.Ile1170Met; replaces isoleucine 1170 with methionine.
Molecular consequence: missense variant.
Genome position (GRCh38, 1-based): chr3:127,017,658, C>G. VCF-style: chr3-127017658-C-G. GRCh37 (hg19) VCF-style: chr3-126736501-C-G.
Other names: short protein forms I1170M.
Identifiers: ClinVar variation 3032089 (VCV003032089.2), dbSNP rs571589207, ClinGen allele CA2594035.